The following is an entry in ClinVar:

ClinVar aggregate classification (germline): Likely pathogenic. Review status: criteria provided, multiple submitters, no conflicts (2 of 4 stars). 2 submissions from 2 submitters: Likely pathogenic (2). Last evaluated 2025-11-27.

Conditions:
ATP1A3-associated neurological disorder. Also called: ATP1A3-related neurologic disorders. Identifiers: MedGen CN305087, MONDO:0700002.
Dystonia 12 (DYT12). Also called: DYT-ATP1A3; Rapid-Onset Dystonia-Parkinsonism (RDP). Identifiers: Orphanet 71517, MedGen C1868681, MONDO:0007496, OMIM 128235.

Submissions (2):

Labcorp Genetics (formerly Invitae), Labcorp
Classification: Likely pathogenic for Dystonia 12. Last evaluated: 2025-11-27. Review status: criteria provided, single submitter. Criteria: Invitae Variant Classification Sherloc (09022015). Collection method: clinical testing. Allele origin: germline.
Comment: This sequence change affects an acceptor splice site in intron 4 of the ATP1A3 gene. It is expected to disrupt RNA splicing. Variants that disrupt the donor or acceptor splice site typically lead to a loss of protein function (PMID: 16199547), and loss-of-function variants in ATP1A3 are known to be pathogenic (PMID: 24631656, 24983657). This variant is not present in population databases (gnomAD no frequency). This variant has not been reported in the literature in individuals affected with ATP1A3-related conditions. ClinVar contains an entry for this variant (Variation ID: 2429310). Algorithms developed to predict the effect of sequence changes on RNA splicing suggest that this variant may disrupt the consensus splice site. In summary, the currently available evidence indicates that the variant is pathogenic, but additional data are needed to prove that conclusively. Therefore, this variant has been classified as Likely Pathogenic.

Women's Health and Genetics/Laboratory Corporation of America, LabCorp
Classification: Likely pathogenic for ATP1A3-associated neurological disorder. Last evaluated: 2023-01-10. Review status: criteria provided, single submitter. Criteria: LabCorp Variant Classification Summary - May 2015. Collection method: clinical testing. Allele origin: germline.
Comment: Variant summary: ATP1A3 c.358-1G>A is located in a canonical splice-site and is predicted to affect mRNA splicing resulting in a significantly altered protein due to either exon skipping, shortening, or inclusion of intronic material. Several computational tools predict a significant impact on normal splicing: four predict the variant abolishes the canonical 3' acceptor site. However, these predictions have yet to be confirmed by functional studies. The variant was absent in 250672 control chromosomes (gnomAD). To our knowledge, no occurrence of c.358-1G>A in individuals affected with ATP1A3-Related Disorders and no experimental evidence demonstrating its impact on protein function have been reported. No submitters have provided clinical-significance assessments for this variant to ClinVar after 2014. Based on the evidence outlined above, the variant was classified as likely pathogenic.

Literature cited by the submitters: PubMed 16199547 (cited by Labcorp Genetics (formerly Invitae), Labcorp); PubMed 24631656 (cited by Labcorp Genetics (formerly Invitae), Labcorp); PubMed 24983657 (cited by Labcorp Genetics (formerly Invitae), Labcorp).

NM_152296.5(ATP1A3):c.358-1G>A

Gene: ATP1A3 (ATPase Na+/K+ transporting subunit alpha 3; minus strand). Cytogenetic location: 19q13.2.
Variant type: single nucleotide variant.
Coding change: c.358-1G>A on transcript NM_152296.5 (MANE Select); the canonical splice acceptor site of the intron before coding-DNA position 358, G replaced by A.
Molecular consequence: splice acceptor variant.
Genome position (GRCh38, 1-based): chr19:41,986,230, C>T on the plus strand (G>A on the coding strand, the complement: ATP1A3 is on the minus strand). VCF-style: chr19-41986230-C-T. GRCh37 (hg19) VCF-style: chr19-42490382-C-T.
Other names: c.397-1G>A (NM_001256214.2); c.391-1G>A (NM_001256213.2).
Identifiers: ClinVar variation 2429310 (VCV002429310.5), dbSNP rs2514079611, ClinGen allele CA406055771.